The following is an entry in ClinVar:

ClinVar aggregate classification (germline): Likely pathogenic (1 of 4 stars; one submission).

Conditions:
NUP107-related disorder. Also called: NUP107-related condition.

Allele frequency attached by ClinVar (database versions not stated): ExAC 0.00001; gnomAD 0.00001 and 0.00002; gnomAD exomes 0.00001; TOPMed 0.00002.

Submission:

PreventionGenetics, part of Exact Sciences
Classification: Likely pathogenic for NUP107-related condition. Last evaluated: 2023-09-07. Review status: criteria provided, single submitter. Criteria: ACMG Guidelines, 2015. Collection method: clinical testing. Allele origin: germline.
Comment: The NUP107 c.790C>T variant is predicted to result in premature protein termination (p.Arg264*). To our knowledge, this variant has not been reported in the literature. This variant is reported in 0.0081% of alleles in individuals of African descent in gnomAD. Nonsense variants in NUP107 are expected to be pathogenic. This variant is interpreted as likely pathogenic.

NM_020401.4(NUP107):c.790C>T (p.Arg264Ter)

Gene: NUP107 (nucleoporin 107; plus strand). Cytogenetic location: 12q15.
Variant type: single nucleotide variant.
Coding change: c.790C>T on transcript NM_020401.4 (MANE Select); coding-DNA position 790, C replaced by T.
Protein change: p.Arg264Ter; replaces arginine 264 with a stop codon.
Molecular consequence: nonsense.
Genome position (GRCh38, 1-based): chr12:68,709,298, C>T. VCF-style: chr12-68709298-C-T. GRCh37 (hg19) VCF-style: chr12-69103078-C-T.
Other names: c.703C>T, p.Arg235Ter (NM_001330192.2); c.790C>T (NM_020401.3); short protein forms R235*, R264*.
Identifiers: ClinVar variation 2635666 (VCV002635666.1), dbSNP rs768060090, ClinGen allele CA6677549.